The following is an entry in ClinVar:

ClinVar aggregate classification (germline): Uncertain significance. Review status: criteria provided, multiple submitters, no conflicts (2 of 4 stars). 2 submissions from 2 submitters: Uncertain significance (2). Last evaluated 2022-11-08.

Conditions:
Inborn genetic diseases. Identifiers: MedGen C0950123, MeSH D030342.

Allele frequency attached by ClinVar (database versions not stated): TOPMed below 0.00001; gnomAD 0.00001; gnomAD exomes 0.00001 and 0.00002.
gnomAD v4.1: 6 of 1,579,284 alleles (0.00038%); highest among the groups gnomAD compares: Admixed American, 0.0018%; no homozygotes.

Submissions (2):

Ambry Genetics
Classification: Uncertain significance for Inborn genetic diseases. Last evaluated: 2022-11-08. Review status: criteria provided, single submitter. Criteria: Ambry Variant Classification Scheme 2023. Collection method: clinical testing. Allele origin: germline.

Labcorp Genetics (formerly Invitae), Labcorp
Classification: Uncertain significance. Last evaluated: 2022-07-19. Review status: criteria provided, single submitter. Criteria: Invitae Variant Classification Sherloc (09022015). Collection method: clinical testing. Allele origin: germline.
Comment: In summary, the available evidence is currently insufficient to determine the role of this variant in disease. Therefore, it has been classified as a Variant of Uncertain Significance. Algorithms developed to predict the effect of missense changes on protein structure and function output the following: SIFT: "Tolerated"; PolyPhen-2: "Benign"; Align-GVGD: "Class C0". The valine amino acid residue is found in multiple mammalian species, which suggests that this missense change does not adversely affect protein function. ClinVar contains an entry for this variant (Variation ID: 1469540). This variant has not been reported in the literature in individuals affected with ADGRV1-related conditions. This variant is present in population databases (no rsID available, gnomAD 0.004%). This sequence change replaces isoleucine, which is neutral and non-polar, with valine, which is neutral and non-polar, at codon 113 of the ADGRV1 protein (p.Ile113Val).

NM_032119.4(ADGRV1):c.337A>G (p.Ile113Val)

Gene: ADGRV1 (adhesion G protein-coupled receptor V1; plus strand). Cytogenetic location: 5q14.3.
Variant type: single nucleotide variant.
Coding change: c.337A>G on transcript NM_032119.4 (MANE Select); coding-DNA position 337, A replaced by G.
Protein change: p.Ile113Val; replaces isoleucine 113 with valine.
Molecular consequence: missense variant. On other transcripts: non-coding transcript variant (1).
Genome position (GRCh38, 1-based): chr5:90,617,933, A>G. VCF-style: chr5-90617933-A-G. GRCh37 (hg19) VCF-style: chr5-89913750-A-G.
Other names: c.337A>G (NM_032119.3); short protein forms I113V.
Identifiers: ClinVar variation 1469540 (VCV001469540.9), dbSNP rs1435973584, ClinGen allele CA360385996.